The following is an entry in ClinVar:

ClinVar aggregate classification (germline): Uncertain significance (1 of 4 stars; one submission).

gnomAD v4.1: 2 of 1,614,210 alleles (0.00012%); highest among the groups gnomAD compares: Non-Finnish European, 0.000085%; no homozygotes.

Submission:

Labcorp Genetics (formerly Invitae), Labcorp
Classification: Uncertain significance. Last evaluated: 2023-11-28. Review status: criteria provided, single submitter. Criteria: Invitae Variant Classification Sherloc (09022015). Collection method: clinical testing. Allele origin: germline.
Comment: This sequence change replaces threonine, which is neutral and polar, with isoleucine, which is neutral and non-polar, at codon 533 of the DSCAML1 protein (p.Thr533Ile). This variant is not present in population databases (gnomAD no frequency). This variant has not been reported in the literature in individuals affected with DSCAML1-related conditions. ClinVar contains an entry for this variant (Variation ID: 2096594). An algorithm developed to predict the effect of missense changes on protein structure and function (PolyPhen-2) suggests that this variant is likely to be disruptive. In summary, the available evidence is currently insufficient to determine the role of this variant in disease. Therefore, it has been classified as a Variant of Uncertain Significance.

NM_020693.4(DSCAML1):c.1418C>T (p.Thr473Ile)

Gene: DSCAML1 (DS cell adhesion molecule like 1; minus strand). Cytogenetic location: 11q23.3.
Variant type: single nucleotide variant.
Coding change: c.1418C>T on transcript NM_020693.4 (MANE Select); coding-DNA position 1418, C replaced by T.
Protein change: p.Thr473Ile; replaces threonine 473 with isoleucine.
Molecular consequence: missense variant.
Genome position (GRCh38, 1-based): chr11:117,518,558, G>A on the plus strand (C>T on the coding strand, the complement: DSCAML1 is on the minus strand). VCF-style: chr11-117518558-G-A. GRCh37 (hg19) VCF-style: chr11-117389273-G-A.
Other names: c.1418C>T, p.Thr473Ile (NM_001367904.1); c.1010C>T, p.Thr337Ile (NM_001367905.1); short protein forms T337I, T473I.
Identifiers: ClinVar variation 2096594 (VCV002096594.4), dbSNP rs2543264774, ClinGen allele CA382745519.